The following is an entry in ClinVar:

NM_002968.3(SALL1):c.1458C>G (p.Phe486Leu)

Gene: SALL1 (spalt like transcription factor 1; minus strand). Cytogenetic location: 16q12.1.
Variant type: single nucleotide variant.
Coding change: c.1458C>G on transcript NM_002968.3 (MANE Select); coding-DNA position 1458, C replaced by G.
Protein change: p.Phe486Leu; replaces phenylalanine 486 with leucine.
Molecular consequence: missense variant.
Genome position (GRCh38, 1-based): chr16:51,140,764, G>C on the plus strand (C>G on the coding strand, the complement: SALL1 is on the minus strand). VCF-style: chr16-51140764-G-C. GRCh37 (hg19) VCF-style: chr16-51174675-G-C.
Other names: c.1167C>G, p.Phe389Leu (NM_001127892.2); short protein forms F389L, F486L.
Identifiers: ClinVar variation 2993447 (VCV002993447.3), dbSNP rs183142673, ClinGen allele CA281302573.
Genomic context (GRCh38, chr16:51,140,764, plus strand): 5'-GATATGAGGGTATTTCTCTTTGTGGCGCTGAAAGTGGACTTTCAGATTCCCCTTGGTGGA[G>C]AACCTGTTCCCGCAGATGTTGCACTTGAATGGCCTCTCTCCGGTATGGGAACGCAAGTGG-3'
Protein context (NP_002959.2, residues 476-496): PFKCNICGNR[Phe486Leu]STKGNLKVHF

ClinVar aggregate classification (germline): Uncertain significance (1 of 4 stars; one submission).

Conditions:
Townes syndrome (TBS). Also called: Townes-Brocks syndrome. Identifiers: Orphanet 857, MedGen C0265246, MeSH C536974, MONDO:0007142.

Allele frequency attached by ClinVar (database versions not stated): TOPMed below 0.00001; gnomAD 0.00001.
gnomAD v4.1: 1 of 1,614,062 alleles (0.000062%); highest among the groups gnomAD compares: Non-Finnish European, 0.000085%; no homozygotes.

Submission:

Labcorp Genetics (formerly Invitae), Labcorp
Classification: Uncertain significance for Townes syndrome. Last evaluated: 2022-11-15. Review status: criteria provided, single submitter. Criteria: Invitae Variant Classification Sherloc (09022015). Collection method: clinical testing. Allele origin: germline.
Comment: This sequence change replaces phenylalanine, which is neutral and non-polar, with leucine, which is neutral and non-polar, at codon 486 of the SALL1 protein (p.Phe486Leu). This variant is not present in population databases (gnomAD no frequency). In summary, the available evidence is currently insufficient to determine the role of this variant in disease. Therefore, it has been classified as a Variant of Uncertain Significance. Advanced modeling of protein sequence and biophysical properties (such as structural, functional, and spatial information, amino acid conservation, physicochemical variation, residue mobility, and thermodynamic stability) performed at Invitae indicates that this missense variant is expected to disrupt SALL1 protein function. This variant has not been reported in the literature in individuals affected with SALL1-related conditions.